The following is an entry in ClinVar:

NM_005859.5(PURA):c.102_137dup (p.Gly49_Ala50insGlyGlyGlyGlyGlySerGlyGlyGlyGlyGlyGly)

Gene: PURA (purine rich element binding protein A; plus strand). Cytogenetic location: 5q31.3.
Variant type: Duplication.
Coding change: c.102_137dup on transcript NM_005859.5 (MANE Select); coding-DNA positions 102 to 137, 36 bases duplicated.
Protein change: p.Gly49_Ala50insGlyGlyGlyGlyGlySerGlyGlyGlyGlyGlyGly.
Molecular consequence: inframe insertion.
Genome position (GRCh38, 1-based): chr5:140,114,283-140,114,318, 36 bases duplicated; duplicating any 36 consecutive bases within chr5:140,114,278-140,114,318 gives the same sequence; the c. name uses the placement nearest the transcript's 3' end. GRCh37 (hg19): chr5:139,493,868-139,493,903.
Identifiers: ClinVar variation 2809291 (VCV002809291.3), dbSNP rs2479504049, ClinGen allele CA1082183760.

ClinVar aggregate classification (germline): Uncertain significance (1 of 4 stars; one submission).

Conditions:
PURA-related severe neonatal hypotonia-seizures-encephalopathy syndrome (NEDRIHF). Also called: NEURODEVELOPMENTAL DISORDER WITH NEONATAL RESPIRATORY INSUFFICIENCY, HYPOTONIA, AND FEEDING DIFFICULTIES; PURA-Related Neurodevelopmental Disorders. Identifiers: Orphanet 438213, Orphanet 438216, MedGen C4015357, MONDO:1060108, OMIM 616158, MONDO:0018580.

Submission:

Labcorp Genetics (formerly Invitae), Labcorp
Classification: Uncertain significance for PURA-related severe neonatal hypotonia-seizures-encephalopathy syndrome. Last evaluated: 2023-05-10. Review status: criteria provided, single submitter. Criteria: Invitae Variant Classification Sherloc (09022015). Collection method: clinical testing. Allele origin: germline.
Comment: This variant has not been reported in the literature in individuals affected with PURA-related conditions. This variant is not present in population databases (gnomAD no frequency). This variant, c.102_137dup, results in the insertion of 12 amino acid(s) of the PURA protein (p.Gly38_Gly49dup), but otherwise preserves the integrity of the reading frame. In summary, the available evidence is currently insufficient to determine the role of this variant in disease. Therefore, it has been classified as a Variant of Uncertain Significance.